The following is an entry in ClinVar:

NM_005911.6(MAT2A):c.203C>T (p.Ala68Val)

Genes: GGCX (gamma-glutamyl carboxylase; minus strand), MAT2A (methionine adenosyltransferase 2A; plus strand). Cytogenetic location: 2p11.2.
Variant type: single nucleotide variant.
Coding change: c.203C>T on transcript NM_005911.6 (MANE Select); coding-DNA position 203, C replaced by T.
Protein change: p.Ala68Val; replaces alanine 68 with valine.
Molecular consequence: missense variant.
Genome position (GRCh38, 1-based): chr2:85,541,288, C>T. VCF-style: chr2-85541288-C-T. GRCh37 (hg19) VCF-style: chr2-85768411-C-T.
Other names: short protein forms A68V.
Identifiers: ClinVar variation 3706350 (VCV003706350.2).

ClinVar aggregate classification (germline): Uncertain significance (1 of 4 stars; one submission).

Conditions:
Familial thoracic aortic aneurysm and aortic dissection (TAAD). Also called: Thoracic aortic aneurysms and dissections. Identifiers: Orphanet 91387, MedGen C4707243, MONDO:0019625.

gnomAD v4.1: 5 of 1,614,032 alleles (0.00031%); highest among the groups gnomAD compares: Non-Finnish European, 0.00034%; no homozygotes.

Submission:

Labcorp Genetics (formerly Invitae), Labcorp
Classification: Uncertain significance for Familial thoracic aortic aneurysm and aortic dissection. Last evaluated: 2025-11-22. Review status: criteria provided, single submitter. Criteria: Invitae Variant Classification Sherloc (09022015). Collection method: clinical testing. Allele origin: germline.
Comment: This sequence change replaces alanine, which is neutral and non-polar, with valine, which is neutral and non-polar, at codon 68 of the MAT2A protein (p.Ala68Val). This variant is not present in population databases (gnomAD no frequency). This variant has not been reported in the literature in individuals affected with MAT2A-related conditions. ClinVar contains an entry for this variant (Variation ID: 3706350). Invitae Evidence Modeling of protein sequence and biophysical properties (such as structural, functional, and spatial information, amino acid conservation, physicochemical variation, residue mobility, and thermodynamic stability) indicates that this missense variant is not expected to disrupt MAT2A protein function with a negative predictive value of 80%. In summary, the available evidence is currently insufficient to determine the role of this variant in disease. Therefore, it has been classified as a Variant of Uncertain Significance.